The following is an entry in ClinVar:

NM_020937.4(FANCM):c.5707_5708del (p.Glu1903fs)

Gene: FANCM (FA complementation group M; plus strand). Cytogenetic location: 14q21.2.
Variant type: Microsatellite.
Coding change: c.5707_5708del on transcript NM_020937.4 (MANE Select); coding-DNA positions 5707 to 5708, 2 bases deleted (GA; older notation c.5707_5708delGA).
Protein change: p.Glu1903fs; shifts the reading frame from glutamic acid 1903.
Molecular consequence: frameshift variant.
Genome position (GRCh38, 1-based): chr14:45,196,538-45,196,539, GA deleted; deleting any 2 consecutive bases within chr14:45,196,535-45,196,539 gives the same sequence; the c. name uses the placement nearest the transcript's 3' end. VCF-style (leftmost placement, unchanged base first): chr14-45196534-CAG-C. GRCh37 (hg19) VCF-style: chr14-45665737-CAG-C.
Other names: c.5629_5630del, p.Glu1877fs (NM_001308133.2); short protein forms E1877fs, E1903fs.
Identifiers: ClinVar variation 3007788 (VCV003007788.3), dbSNP rs2503271575, ClinGen allele CA2624701443.

ClinVar aggregate classification (germline): Pathogenic (1 of 4 stars; one submission).

Conditions:
Fanconi anemia (FA). Also called: Fanconi's anemia. Identifiers: Orphanet 84, MedGen C0015625, MeSH D005199, MONDO:0019391.

Submission:

Labcorp Genetics (formerly Invitae), Labcorp
Classification: Pathogenic for Fanconi anemia. Last evaluated: 2023-11-14. Review status: criteria provided, single submitter. Criteria: Invitae Variant Classification Sherloc (09022015). Collection method: clinical testing. Allele origin: germline.
Comment: This sequence change creates a premature translational stop signal (p.Glu1903Lysfs*10) in the FANCM gene. It is expected to result in an absent or disrupted protein product. Loss-of-function variants in FANCM are known to be pathogenic (PMID: 29895858, 30075111). This variant is not present in population databases (gnomAD no frequency). This variant has not been reported in the literature in individuals affected with FANCM-related conditions. For these reasons, this variant has been classified as Pathogenic.

Literature cited by the submitters: PubMed 29895858; PubMed 30075111.